The following is an entry in ClinVar:

NM_001258392.3(CLPB):c.233T>G (p.Phe78Cys)

Genes: CLPB (ClpB family mitochondrial disaggregase; minus strand), LOC130006336 (ATAC-STARR-seq lymphoblastoid active region 5191; plus strand). Cytogenetic location: 11q13.4.
Variant type: single nucleotide variant.
Coding change: c.233T>G on transcript NM_001258392.3 (MANE Select); coding-DNA position 233, T replaced by G.
Protein change: p.Phe78Cys; replaces phenylalanine 78 with cysteine.
Molecular consequence: missense variant. On other transcripts: 5 prime UTR variant (1).
Genome position (GRCh38, 1-based): chr11:72,434,242, A>C on the plus strand (T>G on the coding strand, the complement: CLPB is on the minus strand). VCF-style: chr11-72434242-A-C. GRCh37 (hg19) VCF-style: chr11-72145286-A-C.
Other names: c.233T>G, p.Phe78Cys (NM_001258393.3, NM_030813.6); c.-10T>G (NM_001258394.3); short protein forms F78C.
Identifiers: ClinVar variation 1700724 (VCV001700724.2), dbSNP rs2135181799, ClinGen allele CA381963245.

ClinVar aggregate classification (germline): Uncertain significance (1 of 4 stars; one submission).

Submission:

GeneDx
Classification: Uncertain significance. Last evaluated: 2022-02-09. Review status: criteria provided, single submitter. Criteria: GeneDx Variant Classification Process June 2021. Collection method: clinical testing. Allele origin: germline. Affected: yes.
Comment: Not observed at significant frequency in large population cohorts (gnomAD); In silico analysis supports that this missense variant does not alter protein structure/function; Has not been previously published as pathogenic or benign to our knowledge